The following is an entry in ClinVar:

NM_000282.4(PCCA):c.1086_1087delinsTGTGTATAA (p.Glu362fs)

Gene: PCCA (propionyl-CoA carboxylase subunit alpha; plus strand). Cytogenetic location: 13q32.3.
Variant type: Indel.
Coding change: c.1086_1087delinsTGTGTATAA on transcript NM_000282.4 (MANE Select); coding-DNA positions 1086 to 1087, AT replaced by TGTGTATAA.
Protein change: p.Glu362fs; shifts the reading frame from glutamic acid 362.
Molecular consequence: frameshift variant. On other transcripts: non-coding transcript variant (5), intron variant (3).
Genome position (GRCh38, 1-based): chr13:100,301,480-100,301,481, AT replaced by TGTGTATAA. VCF-style: chr13-100301480-AT-TGTGTATAA. GRCh37 (hg19) VCF-style: chr13-100953734-AT-TGTGTATAA.
Other names: c.1008_1009delinsTGTGTATAA, p.Glu336fs (NM_001127692.3, NM_001352607.2); c.1086_1087delinsTGTGTATAA, p.Glu362fs (NM_001178004.2, NM_001352605.2, NM_001352609.2); c.141_142delinsTGTGTATAA, p.Glu47fs (NM_001352610.2, NM_001352611.2); c.1066-1444_1066-1443delinsTGTGTATAA (NM_001352606.2); c.121-1444_121-1443delinsTGTGTATAA (NM_001352612.2); c.988-1444_988-1443delinsTGTGTATAA (NM_001352608.2); short protein forms E336fs, E362fs, E47fs.
Identifiers: ClinVar variation 1724345 (VCV001724345.2), dbSNP rs2548112881, ClinGen allele CA2580086952.

ClinVar aggregate classification (germline): Likely pathogenic (1 of 4 stars; one submission).

Conditions:
Propionic acidemia (PROP). Also called: GLYCINEMIA, KETOTIC; HYPERGLYCINEMIA WITH KETOACIDOSIS AND LEUKOPENIA; KETOTIC HYPERGLYCINEMIA. Identifiers: Orphanet 35, MedGen C0268579, MONDO:0011628, OMIM 606054, HP:0003571.

Submission:

Myriad Genetics, Inc.
Classification: Likely pathogenic for Propionic acidemia. Last evaluated: 2022-02-07. Review status: criteria provided, single submitter. Criteria: Myriad Women's Health Autosomal Recessive and X-Linked Classification Criteria (2021). Collection method: clinical testing. Allele origin: unknown.
Comment: NM_000282.3(PCCA):c.1086_1087del2ins9(E362Dfs*19) is expected to be pathogenic in the context of PCCA-related propionic acidemia. This variant is predicted to lead to an abnormal or absent protein product due to the creation of a premature termination codon in PCCA, a gene where loss-of-function variants are known to be pathogenic. Please note: this variant was assessed in the context of healthy population screening.